The following is an entry in ClinVar:

NM_000285.4(PEPD):c.18-2A>G

Gene: PEPD (peptidase D; minus strand). Cytogenetic location: 19q13.11.
Variant type: single nucleotide variant.
Coding change: c.18-2A>G on transcript NM_000285.4 (MANE Select); the canonical splice acceptor site of the intron before coding-DNA position 18, A replaced by G.
Molecular consequence: splice acceptor variant.
Genome position (GRCh38, 1-based): chr19:33,512,778, T>C on the plus strand (A>G on the coding strand, the complement: PEPD is on the minus strand). VCF-style: chr19-33512778-T-C. GRCh37 (hg19) VCF-style: chr19-34003684-T-C.
Other names: c.18-2A>G (NM_001166057.2, NM_001166056.2).
Identifiers: ClinVar variation 3712981 (VCV003712981.3).

ClinVar aggregate classification (germline): Likely pathogenic (1 of 4 stars; one submission).

gnomAD v4.1: 34 of 1,613,832 alleles (0.0021%); highest among the groups gnomAD compares: Non-Finnish European, 0.0027%; no homozygotes.

Submission:

Labcorp Genetics (formerly Invitae), Labcorp
Classification: Likely pathogenic. Last evaluated: 2025-06-01. Review status: criteria provided, single submitter. Criteria: Invitae Variant Classification Sherloc (09022015). Collection method: clinical testing. Allele origin: germline.
Comment: This sequence change affects an acceptor splice site in intron 1 of the PEPD gene. It is expected to disrupt RNA splicing. Variants that disrupt the donor or acceptor splice site typically lead to a loss of protein function (PMID: 16199547), and loss-of-function variants in PEPD are known to be pathogenic (PMID: 8198124, 10721675, 12384772, 17142620). This variant is present in population databases (no rsID available, gnomAD 0.0009%). This variant has not been reported in the literature in individuals affected with PEPD-related conditions. ClinVar contains an entry for this variant (Variation ID: 3712981). Algorithms developed to predict the effect of sequence changes on RNA splicing suggest that this variant may disrupt the consensus splice site. In summary, the currently available evidence indicates that the variant is pathogenic, but additional data are needed to prove that conclusively. Therefore, this variant has been classified as Likely Pathogenic.

Literature cited by the submitters: PubMed 16199547; PubMed 8198124; PubMed 10721675; PubMed 12384772; PubMed 17142620.